The following is an entry in ClinVar:

NC_000019.9:g.(?_54299093)_(54327428_?)dup

Gene: NLRP12 (NLR family pyrin domain containing 12; minus strand). Cytogenetic location: 19q13.42.
Variant type: Duplication.
Identifiers: ClinVar variation 2427308 (VCV002427308.4).

ClinVar aggregate classification (germline): Uncertain significance (1 of 4 stars; one submission).

Conditions:
Familial cold autoinflammatory syndrome 2 (FCAS2). Identifiers: Orphanet 247868, MedGen C2673198, MONDO:0012724, OMIM 611762.

Submission:

Labcorp Genetics (formerly Invitae), Labcorp
Classification: Uncertain significance for Familial cold autoinflammatory syndrome 2. Last evaluated: 2022-07-28. Review status: criteria provided, single submitter. Criteria: Invitae Variant Classification Sherloc (09022015). Collection method: clinical testing. Allele origin: germline.
Comment: This variant results in a copy number gain of the genomic region encompassing exon(s) 1-9 of the NLRP12 gene. This region includes the initiator codon of the gene. This copy number gain extends beyond the assayed region for this gene and therefore may encompass additional genes. As the precise location of this event is unknown, it may be in tandem or it may be located elsewhere in the genome. This variant has not been reported in the literature in individuals affected with NLRP12-related conditions. In summary, the available evidence is currently insufficient to determine the role of this variant in disease. Therefore, it has been classified as a Variant of Uncertain Significance.